The following is an entry in ClinVar:

NM_000094.4(COL7A1):c.6119G>A (p.Gly2040Asp)

Gene: COL7A1 (collagen type VII alpha 1 chain; minus strand). Cytogenetic location: 3p21.31.
Variant type: single nucleotide variant.
Coding change: c.6119G>A on transcript NM_000094.4 (MANE Select); coding-DNA position 6119, G replaced by A.
Protein change: p.Gly2040Asp; replaces glycine 2040 with aspartic acid.
Molecular consequence: missense variant.
Genome position (GRCh38, 1-based): chr3:48,575,400, C>T on the plus strand (G>A on the coding strand, the complement: COL7A1 is on the minus strand). VCF-style: chr3-48575400-C-T. GRCh37 (hg19) VCF-style: chr3-48612833-C-T.
Other names: c.6119G>A (NM_000094.3); short protein forms G2040D.
Identifiers: ClinVar variation 1047979 (VCV001047979.24), dbSNP rs2044225406, ClinGen allele CA352663115.
Genomic context (GRCh38, chr3:48,575,400, plus strand): 5'-CTCTCTCCTGGCCTTCCTGCCTCTCCCACACCCCCAGCCCTGCCTGGGAGCCCGGGAATA[C>T]CAGGCTTTCCAGGCTCCCCGGCAAGGCCGGAAGGCCCGGGGGGGCCCCTCTCCCCAAGGG-3'
Protein context (NP_000085.1, residues 2030-2050): SGLAGEPGKP[Gly2040Asp]IPGLPGRAGG

ClinVar aggregate classification (germline): Pathogenic. Review status: criteria provided, multiple submitters, no conflicts (2 of 4 stars). 4 submissions from 4 submitters: Pathogenic (4). Last evaluated 2025-02-27.

Conditions:
Generalized dominant dystrophic epidermolysis bullosa (DDEB). Also called: Dominant DEB (DDEB); DDEB, generalized; DDEB-gen; DYSTROPHIC EPIDERMOLYSIS BULLOSA, AUTOSOMAL DOMINANT; Epidermolysis bullosa dystrophica, autosomal dominant. Identifiers: Orphanet 231568, MedGen C0432322, MONDO:0007549, OMIM 131750.
Epidermolysis bullosa dystrophica. Also called: Dystrophic epidermolysis bullosa, Hallopeau-Siemens type (formerly); Dystrophic epidermolysis bullosa. Identifiers: Orphanet 303, MedGen C0079294, MONDO:0006543.

Submissions (4):

Revvity Omics, Revvity
Classification: Pathogenic. Last evaluated: 2025-02-27. Review status: criteria provided, single submitter. Criteria: ACMG Guidelines, 2015. Collection method: clinical testing. Allele origin: germline.

Labcorp Genetics (formerly Invitae), Labcorp
Classification: Pathogenic. Last evaluated: 2024-10-17. Review status: criteria provided, single submitter. Criteria: Invitae Variant Classification Sherloc (09022015). Collection method: clinical testing. Allele origin: germline.
Comment: This sequence change replaces glycine, which is neutral and non-polar, with aspartic acid, which is acidic and polar, at codon 2040 of the COL7A1 protein (p.Gly2040Asp). This variant is not present in population databases (gnomAD no frequency). This missense change has been observed in individual(s) with autosomal dominant epidermolysis bullosa dystrophica (PMID: 10504458, 33274474). ClinVar contains an entry for this variant (Variation ID: 1047979). Invitae Evidence Modeling of protein sequence and biophysical properties (such as structural, functional, and spatial information, amino acid conservation, physicochemical variation, residue mobility, and thermodynamic stability) indicates that this missense variant is expected to disrupt COL7A1 protein function with a positive predictive value of 95%. This variant disrupts the triple helix domain of COL7A1. Glycine residues within the Gly-Xaa-Yaa repeats of the triple helix domain are required for the structure and stability of fibrillar collagens (PMID: 7695699, 8218237, 19344236), and variants at these glycine residues in COL7A1 are more frequently observed in individuals with disease than in the general population (PMID: 22058051). However, the clinical significance of this observation remains uncertain since only a limited number of affected individuals have been described to date. This variant disrupts the p.Gly2040 amino acid residue in COL7A1. Other variant(s) that disrupt this residue have been observed in individuals with COL7A1-related conditions (PMID: 8170945, 9856843), which suggests that this may be a clinically significant amino acid residue. For these reasons, this variant has been classified as Pathogenic.

Center for Research in Genodermatoses and Epidermolysis Bullosa, University of Buenos Aires
Classification: Pathogenic for Generalized dominant dystrophic epidermolysis bullosa. Last evaluated: 2022-03-14. Review status: criteria provided, single submitter. Criteria: ACMG Guidelines, 2015. Collection method: clinical testing. Allele origin: germline. Affected: yes. Observed: 1 variant allele, 1 heterozygote.

Biomedical Innovation Departament, CIEMAT
Classification: Pathogenic for Dystrophic epidermolysis bullosa. Last evaluated: 2010-02-08. Review status: criteria provided, single submitter. Criteria: ACMG Guidelines, 2015. Collection method: research. Allele origin: germline. Affected: yes. Observed: 1 variant allele.

Literature cited by the submitters: PubMed 10504458 (cited by 3 submitters); PubMed 33274474 (cited by Labcorp Genetics (formerly Invitae), Labcorp); PubMed 7695699 (cited by Labcorp Genetics (formerly Invitae), Labcorp); PubMed 8218237 (cited by Labcorp Genetics (formerly Invitae), Labcorp); PubMed 19344236 (cited by Labcorp Genetics (formerly Invitae), Labcorp); PubMed 22058051 (cited by Labcorp Genetics (formerly Invitae), Labcorp); PubMed 8170945 (cited by Labcorp Genetics (formerly Invitae), Labcorp); PubMed 9856843 (cited by Labcorp Genetics (formerly Invitae), Labcorp); PubMed 35979658 (cited by Center for Research in Genodermatoses and Epidermolysis Bullosa, University of Buenos Aires).